The following is an entry in ClinVar:

ClinVar aggregate classification (germline): Uncertain significance (1 of 4 stars; one submission).

Conditions:
Hereditary cancer-predisposing syndrome. Also called: Tumor predisposition; Neoplastic Syndromes, Hereditary; Hereditary neoplastic syndrome; Hereditary Cancer Syndrome. Identifiers: Orphanet 140162, MedGen C0027672, MeSH D009386, MONDO:0015356.

Submission:

Ambry Genetics
Classification: Uncertain significance for Hereditary cancer-predisposing syndrome. Last evaluated: 2024-11-05. Review status: criteria provided, single submitter. Criteria: Ambry Variant Classification Scheme 2023. Collection method: clinical testing. Allele origin: germline.
Comment: The p.L722F variant (also known as c.2166G>T), located in coding exon 13 of the ATM gene, results from a G to T substitution at nucleotide position 2166. The leucine at codon 722 is replaced by phenylalanine, an amino acid with highly similar properties. This amino acid position is conserved. In addition, the in silico prediction for this alteration is inconclusive. Based on the available evidence, the clinical significance of this variant remains unclear.

NM_000051.4(ATM):c.2166G>T (p.Leu722Phe)

Gene: ATM (ATM serine/threonine kinase; plus strand). Cytogenetic location: 11q22.3.
Variant type: single nucleotide variant.
Coding change: c.2166G>T on transcript NM_000051.4 (MANE Select); coding-DNA position 2166, G replaced by T.
Protein change: p.Leu722Phe; replaces leucine 722 with phenylalanine.
Molecular consequence: missense variant.
Genome position (GRCh38, 1-based): chr11:108,256,256, G>T. VCF-style: chr11-108256256-G-T. GRCh37 (hg19) VCF-style: chr11-108126983-G-T.
Other names: c.2166G>T, p.Leu722Phe (NM_001351834.2); short protein forms L722F.
Identifiers: ClinVar variation 3452441 (VCV003452441.1).
Genomic context (GRCh38, chr11:108,256,256, plus strand): 5'-ATTTGTGGTTTACTTTAAGATTACAAATTCAGAAACTCTTGTCCGGTGTTCACGTCTTTT[G>T]GTGGGTGTCCTTGGCTGCTACTGTTACATGGGTGTAATAGCTGAAGAGGAAGCATATAAG-3'
Protein context (NP_000042.3, residues 712-732): SETLVRCSRL[Leu722Phe]VGVLGCYCYM